The following is an entry in ClinVar:

NM_000124.4(ERCC6):c.4177del (p.Lys1392_Met1393insTer)

Gene: ERCC6 (ERCC excision repair 6, chromatin remodeling factor; minus strand). Cytogenetic location: 10q11.23.
Variant type: Deletion.
Coding change: c.4177del on transcript NM_000124.4 (MANE Select); coding-DNA position 4177, one base deleted (A; older notation c.4177delA).
Protein change: p.Lys1392_Met1393insTer.
Molecular consequence: nonsense.
Genome position (GRCh38, 1-based): chr10:49,459,120, T deleted on the plus strand (A on the coding strand, the reverse complement: ERCC6 is on the minus strand); the first of 4 consecutive T bases (chr10:49,459,120-49,459,123); deleting any one gives the same sequence. VCF-style (leftmost placement, unchanged base first): chr10-49459119-AT-A. GRCh37 (hg19) VCF-style: chr10-50667165-AT-A.
Other names: c.4177del, p.Lys1392_Met1393insTer (NM_001346440.2).
Identifiers: ClinVar variation 869457 (VCV000869457.2), dbSNP rs1850531575, ClinGen allele CA916081577.

ClinVar aggregate classification (germline): Likely pathogenic (1 of 4 stars; one submission).

Conditions:
Cockayne syndrome type 2 (CSB). Also called: Cockayne Syndrome, Type II; COCKAYNE SYNDROME B. Identifiers: Orphanet 191, Orphanet 90322, MedGen C0751038, MONDO:0019570, OMIM 133540.

Submission:

Victorian Clinical Genetics Services, Murdoch Childrens Research Institute
Classification: Likely pathogenic for Cockayne syndrome type 2. Last evaluated: 2018-05-29. Review status: criteria provided, single submitter. Criteria: ACMG Guidelines, 2015. Collection method: clinical testing. Allele origin: unknown. Affected: yes.
Comment: A homozygous nonsense variant, NM_000124.3(ERCC6):c.4177delA, has been identified in exon 21 of 21 of the ERCC6 gene. The variant is predicted to result in a premature stop codon at position 1393 of the protein (NP_000115.1(ERCC6):p.(Met1393*)). This variant is predicted to result in a truncated protein, with no known functional domains affected. Multiple pathogenic truncating variants have previously been reported upstream of this variant (ClinVar), resulting in loss of protein function through nonsense-mediated decay, which is a reported mechanism of pathogenicity for this gene. One pathogenic truncating variant downstream of this variant has been reported (Personal communication). Following multidisciplinary clinical review of this case, this variant was determined to be highly concordant with the phenotypic presentaion of the patient. Based on the information available at the time of curation, this variant has been classified as LIKELY PATHOGENIC.